The following is an entry in ClinVar:

ClinVar aggregate classification (germline): Pathogenic (1 of 4 stars; one submission).

Conditions:
PKD1-related disorder. Also called: PKD1-related condition.

Submission:

PreventionGenetics, part of Exact Sciences
Classification: Pathogenic for PKD1-related condition. Last evaluated: 2026-06-28. Review status: criteria provided, single submitter. Criteria: ACMG Guidelines, 2015. Collection method: clinical testing. Allele origin: germline.
Comment: The PKD1 c.11017_11018dupAG variant is predicted to result in a frameshift and premature protein termination (p.Ser3673Argfs*12). To our knowledge, this variant has not been reported in the literature or in a large population database (gnomAD), indicating this variant is rare. Frameshift variants in PKD1 are expected to be pathogenic. This variant is interpreted as pathogenic.

NM_001009944.2(PKD1):c.11017_11018dupAG

Genes: PKD1 (polycystin 1, transient receptor potential channel interacting; minus strand), PKD1-AS1 (PKD1 antisense RNA 1; plus strand). Cytogenetic location: 16p13.3.
Variant type: Microsatellite.
Coding change: c.11017_11018dupAG on transcript NM_001009944.2; coding-DNA positions 11017 to 11018, 2 bases duplicated (AG).
Genome position (GRCh38, 1-based): chr16:2,093,092-2,093,093, CT duplicated on the plus strand (AG on the coding strand, the reverse complement: PKD1 is on the minus strand); duplicating any 2 consecutive bases within chr16:2,093,092-2,093,095 gives the same sequence; the c. name uses the placement nearest the transcript's 3' end. VCF-style (leftmost placement, unchanged base first): chr16-2093091-G-GCT. GRCh37 (hg19) VCF-style: chr16-2143092-G-GCT.
Identifiers: ClinVar variation 4996502 (VCV004996502.1).